The following is an entry in ClinVar:

ClinVar aggregate classification (germline): Uncertain significance (1 of 4 stars; one submission).

Submission:

CeGaT Center for Human Genetics Tuebingen
Classification: Uncertain significance. Last evaluated: 2024-04-01. Review status: criteria provided, single submitter. Criteria: CeGaT Center For Human Genetics Tuebingen Variant Classification Criteria Version 2. Collection method: clinical testing. Allele origin: germline. Affected: yes. Observed: 1 variant allele.
Comment: HK1: PM2

NM_000188.3(HK1):c.2099A>G (p.Gln700Arg)

Gene: HK1 (hexokinase 1; plus strand). Cytogenetic location: 10q22.1.
Variant type: single nucleotide variant.
Coding change: c.2099A>G on transcript NM_000188.3 (MANE Select); coding-DNA position 2099, A replaced by G.
Protein change: p.Gln700Arg; replaces glutamine 700 with arginine.
Molecular consequence: missense variant.
Genome position (GRCh38, 1-based): chr10:69,392,188, A>G. VCF-style: chr10-69392188-A-G. GRCh37 (hg19) VCF-style: chr10-71151944-A-G.
Other names: c.2111A>G, p.Gln704Arg (NM_001322364.2, NM_001358263.1, NM_033497.3 and 1 more transcripts); c.2204A>G, p.Gln735Arg (NM_001322365.2); c.2015A>G, p.Gln672Arg (NM_001322366.1); c.2003A>G, p.Gln668Arg (NM_001322367.1); c.2096A>G, p.Gln699Arg (NM_033496.3); c.2063A>G, p.Gln688Arg (NM_033500.2); short protein forms Q668R, Q672R, Q688R, Q699R, Q700R, Q704R, Q735R.
Identifiers: ClinVar variation 3234737 (VCV003234737.20), dbSNP rs1839924870, ClinGen allele CA376914667.